The following is an entry in ClinVar:

ClinVar aggregate classification (germline): Uncertain significance. Review status: criteria provided, multiple submitters, no conflicts (2 of 4 stars). 4 submissions from 4 submitters: Uncertain significance (4). Last evaluated 2025-02-28.

Conditions:
Autosomal recessive limb-girdle muscular dystrophy type 2J (LGMDR10). Also called: MUSCULAR DYSTROPHY, LIMB-GIRDLE, AUTOSOMAL RECESSIVE 10; Limb-girdle muscular dystrophy, type 2J. Identifiers: Orphanet 140922, MedGen C1837342, MONDO:0012127, OMIM 608807.
Dilated cardiomyopathy 1G (CMD1G). Identifiers: Orphanet 154, MedGen C1858763, MONDO:0011400, OMIM 604145.
Myopathy, myofibrillar, 9, with early respiratory failure (MFM9). Also called: Myopathy, distal, with early respiratory failure, autosomal dominant; Hereditary myopathy with early respiratory failure; EDSTROM MYOPATHY; MYOPATHY, PROXIMAL, WITH EARLY RESPIRATORY MUSCLE INVOLVEMENT. Identifiers: Orphanet 178464, Orphanet 34521, MedGen C1863599, MONDO:0011362, OMIM 603689.
Tibial muscular dystrophy (TMD). Also called: UDD MYOPATHY; Tibial muscular dystrophy, tardive; Udd Distal Myopathy – Tibial Muscular Dystrophy. Identifiers: Orphanet 609, MedGen C1838244, MONDO:0010870, OMIM 600334.
Early-onset myopathy with fatal cardiomyopathy (CMYO5). Also called: Salih Myopathy; CONGENITAL MYOPATHY 5 WITH CARDIOMYOPATHY. Identifiers: Orphanet 289377, MedGen C2673677, MONDO:0012714, OMIM 611705. Disease mechanism: loss of function.
Hypertrophic cardiomyopathy 9. Also called: Familial hypertrophic cardiomyopathy 9. Identifiers: MedGen C1861065, MONDO:0013412, OMIM 613765.

Allele frequency attached by ClinVar (database versions not stated): ExAC 0.00001; gnomAD exomes 0.00001; gnomAD 0.00004.
gnomAD v4.1: 18 of 1,610,588 alleles (0.0011%); highest among the groups gnomAD compares: African/African-American, 0.004%; no homozygotes.

Submissions (4):

Mayo Clinic Laboratories, Mayo Clinic
Classification: Uncertain significance. Last evaluated: 2025-02-28. Review status: criteria provided, single submitter. Criteria: ACMG Guidelines, 2015. Collection method: clinical testing. Allele origin: germline. Observed: 1 variant allele.
Comment: PM2_supporting

Fulgent Genetics
Classification: Uncertain significance for Tibial muscular dystrophy; Myopathy, myofibrillar, 9, with early respiratory failure; Dilated cardiomyopathy 1G; Autosomal recessive limb-girdle muscular dystrophy type 2J; Early-onset myopathy with fatal cardiomyopathy; Hypertrophic cardiomyopathy 9. Last evaluated: 2021-09-30. Review status: criteria provided, single submitter. Criteria: ACMG Guidelines, 2015. Collection method: clinical testing. Allele origin: unknown.

Revvity Omics, Revvity
Classification: Uncertain significance. Last evaluated: 2019-06-06. Review status: criteria provided, single submitter. Criteria: ACMG Guidelines, 2015. Collection method: clinical testing. Allele origin: germline.

Labcorp Genetics (formerly Invitae), Labcorp
Classification: Uncertain significance for Dilated cardiomyopathy 1G; Autosomal recessive limb-girdle muscular dystrophy type 2J. Last evaluated: 2016-07-24. Review status: criteria provided, single submitter. Criteria: Invitae Variant Classification Sherloc (09022015). Collection method: clinical testing. Allele origin: germline.

NM_001267550.2(TTN):c.32735C>T (p.Pro10912Leu)

Gene: TTN (titin; minus strand). Cytogenetic location: 2q31.2.
Variant type: single nucleotide variant.
Coding change: c.32735C>T on transcript NM_001267550.2 (MANE Select); coding-DNA position 32735, C replaced by T.
Protein change: p.Pro10912Leu; replaces proline 10912 with leucine.
Molecular consequence: missense variant. On other transcripts: intron variant (3).
Genome position (GRCh38, 1-based): chr2:178,684,070, G>A on the plus strand (C>T on the coding strand, the complement: TTN is on the minus strand). VCF-style: chr2-178684070-G-A. GRCh37 (hg19) VCF-style: chr2-179548797-G-A.
Other names: p.Pro10595Leu; c.31784C>T, p.Pro10595Leu (NM_001256850.1); c.29003C>T, p.Pro9668Leu (NM_133378.4); c.13283-41753C>T (NM_003319.4); c.13859-41753C>T (NM_133437.4); c.13658-41753C>T (NM_133432.3); short protein forms P10912L, P10595L, P9668L.
Identifiers: ClinVar variation 404727 (VCV000404727.8), dbSNP rs781655223, ClinGen allele CA1998540.